The following is an entry in ClinVar:

NM_000264.5(PTCH1):c.2792C>G (p.Pro931Arg)

Gene: PTCH1 (patched 1; minus strand). Cytogenetic location: 9q22.32.
Variant type: single nucleotide variant.
Coding change: c.2792C>G on transcript NM_000264.5 (MANE Select); coding-DNA position 2792, C replaced by G.
Protein change: p.Pro931Arg; replaces proline 931 with arginine.
Molecular consequence: missense variant. On other transcripts: non-coding transcript variant (1).
Genome position (GRCh38, 1-based): chr9:95,459,695, G>C on the plus strand (C>G on the coding strand, the complement: PTCH1 is on the minus strand). VCF-style: chr9-95459695-G-C. GRCh37 (hg19) VCF-style: chr9-98221977-G-C.
Other names: c.2594C>G, p.Pro865Arg (NM_001083602.3); c.2789C>G, p.Pro930Arg (NM_001083603.3); c.2339C>G, p.Pro780Arg (NM_001083604.3, NM_001083605.3, NM_001083606.3 and 1 more transcripts); c.2636C>G, p.Pro879Arg (NM_001354918.2); c.2792C>G (NM_000264.4); short protein forms P865R, P931R, P930R, P780R, P879R.
Identifiers: ClinVar variation 453832 (VCV000453832.16), dbSNP rs772928587, ClinGen allele CA5138326.
Genomic context (GRCh38, chr9:95,459,695, plus strand): 5'-TCGTGGACCCATTCTGGTCGGTGTGGCCGGATGTTGGCCTGGGAGGCAGCATACGCGACG[G>C]GGTCGTTGCTGACCCAAGCCGTCAGGTAGATGTAGAAAGCGCTGGGATTAATGATGCCAT-3'
Protein context (NP_000255.2, residues 921-941): IYLTAWVSND[Pro931Arg]VAYAASQANI

ClinVar aggregate classification (germline): Uncertain significance. Review status: criteria provided, multiple submitters, no conflicts (2 of 4 stars). 3 submissions from 3 submitters: Uncertain significance (3). Last evaluated 2025-12-17.

Conditions:
Gorlin syndrome. Also called: Basal cell nevus syndrome; Nevoid Basal Cell Carcinoma Syndrome. Identifiers: Orphanet 377, MedGen C0004779, MONDO:0007187.
Hereditary cancer-predisposing syndrome. Also called: Neoplastic Syndromes, Hereditary; Tumor predisposition; Hereditary neoplastic syndrome; Hereditary Cancer Syndrome. Identifiers: Orphanet 140162, MedGen C0027672, MeSH D009386, MONDO:0015356.

Allele frequency attached by ClinVar (database versions not stated): gnomAD exomes 0.00001; gnomAD 0.00003 and 0.00002; ExAC 0.00001; TOPMed 0.00002.
gnomAD v4.1: 21 of 1,614,110 alleles (0.0013%); highest among the groups gnomAD compares: Non-Finnish European, 0.0016%; no homozygotes.

Submissions (3):

Ambry Genetics
Classification: Uncertain significance for Hereditary cancer-predisposing syndrome. Last evaluated: 2025-12-17. Review status: criteria provided, single submitter. Criteria: Ambry Variant Classification Scheme 2023. Collection method: clinical testing. Allele origin: germline.
Comment: The p.P931R variant (also known as c.2792C>G), located in coding exon 17 of the PTCH1 gene, results from a C to G substitution at nucleotide position 2792. The proline at codon 931 is replaced by arginine, an amino acid with dissimilar properties. This variant was detected as heterozygous in individual(s) with no reported features of PTCH1-related nevoid basal cell carcinoma syndrome (Ambry internal data). This amino acid position is highly conserved in available vertebrate species. In addition, this alteration is predicted to be deleterious by in silico analysis. Based on the available evidence, the clinical significance of this variant remains unclear.

Labcorp Genetics (formerly Invitae), Labcorp
Classification: Uncertain significance for Gorlin syndrome. Last evaluated: 2025-10-13. Review status: criteria provided, single submitter. Criteria: Invitae Variant Classification Sherloc (09022015). Collection method: clinical testing. Allele origin: germline.
Comment: This sequence change replaces proline, which is neutral and non-polar, with arginine, which is basic and polar, at codon 931 of the PTCH1 protein (p.Pro931Arg). This variant is present in population databases (rs772928587, gnomAD 0.008%). This variant has not been reported in the literature in individuals affected with PTCH1-related conditions. ClinVar contains an entry for this variant (Variation ID: 453832). Invitae Evidence Modeling of protein sequence and biophysical properties (such as structural, functional, and spatial information, amino acid conservation, physicochemical variation, residue mobility, and thermodynamic stability) has been performed for this missense variant. However, the output from this modeling did not meet the statistical confidence thresholds required to predict the impact of this variant on PTCH1 protein function. In summary, the available evidence is currently insufficient to determine the role of this variant in disease. Therefore, it has been classified as a Variant of Uncertain Significance.

Quest Diagnostics Nichols Institute San Juan Capistrano
Classification: Uncertain significance. Last evaluated: 2025-01-12. Review status: criteria provided, single submitter. Criteria: Quest Diagnostics criteria. Collection method: clinical testing. Allele origin: unknown.
Comment: The PTCH1 c.2792C>G (p.Pro931Arg) variant has not been reported in individuals with PTCH1-related conditions in the published literature. The frequency of this variant in the general population (Genome Aggregation Database) is uninformative in the assessment of its pathogenicity. Analysis of this variant using bioinformatics tools for the prediction of the effect of amino acid changes on protein structure and function yielded predictions that this variant is damaging. Based on the available information, we are unable to determine the clinical significance of this variant.